The following is an entry in ClinVar:

NM_003906.5(MCM3AP):c.1125G>A (p.Met375Ile)

Gene: MCM3AP (minichromosome maintenance complex component 3 associated protein; minus strand). Cytogenetic location: 21q22.3.
Variant type: single nucleotide variant.
Coding change: c.1125G>A on transcript NM_003906.5 (MANE Select); coding-DNA position 1125, G replaced by A.
Protein change: p.Met375Ile; replaces methionine 375 with isoleucine.
Molecular consequence: missense variant.
Genome position (GRCh38, 1-based): chr21:46,284,162, C>T on the plus strand (G>A on the coding strand, the complement: MCM3AP is on the minus strand). VCF-style: chr21-46284162-C-T. GRCh37 (hg19) VCF-style: chr21-47704076-C-T.
Other names: short protein forms M375I.
Identifiers: ClinVar variation 4713501 (VCV004713501.1).

ClinVar aggregate classification (germline): Uncertain significance (1 of 4 stars; one submission).

Submission:

Labcorp Genetics (formerly Invitae), Labcorp
Classification: Uncertain significance. Last evaluated: 2025-02-19. Review status: criteria provided, single submitter. Criteria: Invitae Variant Classification Sherloc (09022015). Collection method: clinical testing. Allele origin: germline.
Comment: This sequence change replaces methionine, which is neutral and non-polar, with isoleucine, which is neutral and non-polar, at codon 375 of the MCM3AP protein (p.Met375Ile). This variant is not present in population databases (gnomAD no frequency). This variant has not been reported in the literature in individuals affected with MCM3AP-related conditions. An algorithm developed to predict the effect of missense changes on protein structure and function outputs the following: PolyPhen-2: "Benign". The isoleucine amino acid residue is found in multiple mammalian species, which suggests that this missense change does not adversely affect protein function. In summary, the available evidence is currently insufficient to determine the role of this variant in disease. Therefore, it has been classified as a Variant of Uncertain Significance.